The following is an entry in ClinVar:

NM_173660.5(DOK7):c.28C>T (p.Gln10Ter)

Gene: DOK7 (docking protein 7; plus strand). Cytogenetic location: 4p16.3.
Variant type: single nucleotide variant.
Coding change: c.28C>T on transcript NM_173660.5 (MANE Select); coding-DNA position 28, C replaced by T.
Protein change: p.Gln10Ter; replaces glutamine 10 with a stop codon.
Molecular consequence: nonsense.
Genome position (GRCh38, 1-based): chr4:3,463,403, C>T. VCF-style: chr4-3463403-C-T. GRCh37 (hg19) VCF-style: chr4-3465130-C-T.
Other names: c.28C>T, p.Gln10Ter (NM_001164673.2, NM_001301071.2, NM_001363811.2); short protein forms Q10*.
Identifiers: ClinVar variation 2939697 (VCV002939697.3), dbSNP rs2474961706, ClinGen allele CA356111983.

ClinVar aggregate classification (germline): Pathogenic (1 of 4 stars; one submission).

Conditions:
Fetal akinesia deformation sequence 1 (FADS1). Also called: Pena-Shokeir syndrome type I; Fetal akinesia sequence. Identifiers: Orphanet 994, MedGen C1276035, MONDO:0100101, OMIM 208150, HP:0001989.
Congenital myasthenic syndrome 10. Also called: Myasthenia, limb-girdle, familial. Identifiers: Orphanet 590, MedGen C1850792, MONDO:0009690, OMIM 254300.

Submission:

Labcorp Genetics (formerly Invitae), Labcorp
Classification: Pathogenic for Congenital myasthenic syndrome 10; Fetal akinesia deformation sequence 1. Last evaluated: 2023-04-28. Review status: criteria provided, single submitter. Criteria: Invitae Variant Classification Sherloc (09022015). Collection method: clinical testing. Allele origin: germline.
Comment: This sequence change creates a premature translational stop signal (p.Gln10*) in the DOK7 gene. It is expected to result in an absent or disrupted protein product. Loss-of-function variants in DOK7 are known to be pathogenic (PMID: 16794080, 16917026, 18626973, 19261599). This variant is not present in population databases (gnomAD no frequency). This variant has not been reported in the literature in individuals affected with DOK7-related conditions. Algorithms developed to predict the effect of sequence changes on RNA splicing suggest that this variant may disrupt the consensus splice site. For these reasons, this variant has been classified as Pathogenic.

Literature cited by the submitters: PubMed 16794080; PubMed 16917026; PubMed 18626973; PubMed 19261599.